The following is an entry in ClinVar:

ClinVar aggregate classification (germline): Pathogenic/Likely pathogenic. Review status: criteria provided, multiple submitters, no conflicts (2 of 4 stars). 3 submissions from 3 submitters: Pathogenic (1); Likely pathogenic (2). Last evaluated 2026-07-17.

Conditions:
Autosomal recessive nonsyndromic hearing loss 3. Also called: NEUROSENSORY NONSYNDROMIC RECESSIVE DEAFNESS 3. Identifiers: Orphanet 90636, MedGen C1838263, MONDO:0010860, OMIM 600316.

Submissions (3):

GeneDx
Classification: Likely pathogenic. Last evaluated: 2026-07-17. Review status: criteria provided, single submitter. Criteria: GeneDx Variant Classification Process June 2021. Collection method: clinical testing. Allele origin: germline.
Comment: Not observed at significant frequency in large population cohorts (gnomAD); Has not been previously published as pathogenic or benign to our knowledge; Frameshift variant predicted to result in protein truncation or nonsense mediated decay in a gene for which loss of function is a known mechanism of disease

Fulgent Genetics
Classification: Likely pathogenic for Autosomal recessive nonsyndromic hearing loss 3. Last evaluated: 2024-06-12. Review status: criteria provided, single submitter. Criteria: ACMG Guidelines, 2015. Collection method: clinical testing. Allele origin: germline.

Labcorp Genetics (formerly Invitae), Labcorp
Classification: Pathogenic. Last evaluated: 2023-05-23. Review status: criteria provided, single submitter. Criteria: Invitae Variant Classification Sherloc (09022015). Collection method: clinical testing. Allele origin: germline.
Comment: This sequence change creates a premature translational stop signal (p.Lys10Profs*20) in the MYO15A gene. It is expected to result in an absent or disrupted protein product. Loss-of-function variants in MYO15A are known to be pathogenic (PMID: 17546645). This variant is not present in population databases (gnomAD no frequency). This variant has not been reported in the literature in individuals affected with MYO15A-related conditions. For these reasons, this variant has been classified as Pathogenic.

Literature cited by the submitters: PubMed 17546645 (cited by Labcorp Genetics (formerly Invitae), Labcorp).

NM_016239.4(MYO15A):c.28_31del (p.Lys10fs)

Gene: MYO15A (myosin XVA; plus strand). Cytogenetic location: 17p11.2.
Variant type: Deletion.
Coding change: c.28_31del on transcript NM_016239.4 (MANE Select); coding-DNA positions 28 to 31, 4 bases deleted (AAAG; older notation c.28_31delAAAG).
Protein change: p.Lys10fs; shifts the reading frame from lysine 10.
Molecular consequence: frameshift variant.
Genome position (GRCh38, 1-based): chr17:18,118,828-18,118,831, AAAG deleted; deleting any 4 consecutive bases within chr17:18,118,825-18,118,831 gives the same sequence; the c. name uses the placement nearest the transcript's 3' end. VCF-style (leftmost placement, unchanged base first): chr17-18118824-GAAGA-G. GRCh37 (hg19) VCF-style: chr17-18022138-GAAGA-G.
Other names: c.28_31del (NM_016239.3); short protein forms K10fs.
Identifiers: ClinVar variation 2955657 (VCV002955657.6), dbSNP rs1319049564, ClinGen allele CA726665070.